The following is an entry in ClinVar:

NM_000489.6(ATRX):c.6976-2A>G

Gene: ATRX (ATRX chromatin remodeler; minus strand). Cytogenetic location: Xq21.1.
Variant type: single nucleotide variant.
Coding change: c.6976-2A>G on transcript NM_000489.6 (MANE Select); the canonical splice acceptor site of the intron before coding-DNA position 6976, A replaced by G.
Molecular consequence: splice acceptor variant.
Genome position (GRCh38, 1-based): chrX:77,521,500, T>C on the plus strand (A>G on the coding strand, the complement: ATRX is on the minus strand). VCF-style: chrX-77521500-T-C. GRCh37 (hg19) VCF-style: chrX-76776978-T-C.
Other names: c.6862-2A>G (NM_138270.5).
Identifiers: ClinVar variation 3722839 (VCV003722839.2).

ClinVar aggregate classification (germline): Likely pathogenic (1 of 4 stars; one submission).

Conditions:
Alpha thalassemia-X-linked intellectual disability syndrome (ATRX). Also called: ALPHA-THALASSEMIA/MENTAL RETARDATION SYNDROME, X-LINKED; ATR, NONDELETION TYPE; ATR-X syndrome; Alpha thalassemia mental retardation syndrome, nondeletion type, X-linked; XLMR hypotonic face syndrome; X-linked alpha-thalassemia-mental retardation syndrome. Identifiers: Orphanet 847, MedGen C1845055, MONDO:0010519, OMIM 301040.

Submission:

Labcorp Genetics (formerly Invitae), Labcorp
Classification: Likely pathogenic for Alpha thalassemia-X-linked intellectual disability syndrome. Last evaluated: 2025-12-23. Review status: criteria provided, single submitter. Criteria: Invitae Variant Classification Sherloc (09022015). Collection method: clinical testing. Allele origin: germline.
Comment: This sequence change affects an acceptor splice site in intron 32 of the ATRX gene. It is expected to disrupt RNA splicing. Variants that disrupt the donor or acceptor splice site typically lead to a loss of protein function (PMID: 16199547), and loss-of-function variants in ATRX are known to be pathogenic (PMID: 15591283, 18409179, 23681356). This variant is not present in population databases (gnomAD no frequency). This variant has not been reported in the literature in individuals affected with ATRX-related conditions. ClinVar contains an entry for this variant (Variation ID: 3722839). Algorithms developed to predict the effect of sequence changes on RNA splicing suggest that this variant may disrupt the consensus splice site. In summary, the currently available evidence indicates that the variant is pathogenic, but additional data are needed to prove that conclusively. Therefore, this variant has been classified as Likely Pathogenic.

Literature cited by the submitters: PubMed 16199547; PubMed 15591283; PubMed 18409179; PubMed 23681356.